The following is an entry in ClinVar:

NM_000443.4(ABCB4):c.88_91del (p.Lys30fs)

Gene: ABCB4 (ATP binding cassette subfamily B member 4; minus strand). Cytogenetic location: 7q21.12.
Variant type: Deletion.
Coding change: c.88_91del on transcript NM_000443.4 (MANE Select); coding-DNA positions 88 to 91, 4 bases deleted (AAAA; older notation c.88_91delAAAA).
Protein change: p.Lys30fs; shifts the reading frame from lysine 30.
Molecular consequence: frameshift variant.
Genome position (GRCh38, 1-based): chr7:87,472,665-87,472,668, TTTT deleted on the plus strand (AAAA on the coding strand, the reverse complement: ABCB4 is on the minus strand); deleting any 4 consecutive bases within chr7:87,472,665-87,472,670 gives the same sequence; the c. name uses the placement nearest the transcript's 3' end. VCF-style (leftmost placement, unchanged base first): chr7-87472664-CTTTT-C. GRCh37 (hg19) VCF-style: chr7-87101980-CTTTT-C.
Other names: c.88_91del, p.Lys30fs (NM_018849.3, NM_018850.3); c.88_91delAAAA (NM_000443.3); short protein forms K30fs.
Identifiers: ClinVar variation 2687818 (VCV002687818.6), dbSNP rs1430830807, ClinGen allele CA575857676.

ClinVar aggregate classification (germline): Pathogenic/Likely pathogenic. Review status: criteria provided, multiple submitters, no conflicts (2 of 4 stars). 6 submissions from 6 submitters: Pathogenic (3); Likely pathogenic (3). Last evaluated 2026-04-14.

Conditions:
Cholestasis, intrahepatic, of pregnancy, 3. Identifiers: Orphanet 69665, MedGen C3554241, MONDO:0013995, OMIM 614972.
Low phospholipid associated cholelithiasis (GBD1). Also called: Gallbladder disease 1; Gallstone cholecystitis. Identifiers: Orphanet 69663, MedGen C2609268, MONDO:0010939, OMIM 600803.
Progressive familial intrahepatic cholestasis type 3. Also called: Low Gamma-GT Familial Intrahepatic Cholestasis; MDR3 DEFICIENCY. Identifiers: Orphanet 79305, MedGen C1865643, MONDO:0011214, OMIM 602347.

Submissions (6):

Genomenon, Inc
Classification: Pathogenic for Low phospholipid associated cholelithiasis. Last evaluated: 2026-04-14. Review status: criteria provided, single submitter. Criteria: Genomenon Sequence Variant Interpretation Standards - Updated. Collection method: curation. Allele origin: germline. Affected: yes.
Comment: ABCB4 p.Lys30GlyfsTer7 (c.88_91del) is a frameshift variant that results in the production of a truncated protein which may be subject to nonsense-mediated mRNA decay. This variant has been observed in at least one proband with an ABCB4-related disorder (PMID:28733223). It is absent or not present at a significant frequency in gnomAD. In conclusion, we classify ABCB4 p.Lys30GlyfsTer7 (c.88_91del) as a pathogenic variant.

Victorian Clinical Genetics Services, Murdoch Childrens Research Institute
Classification: Pathogenic for Progressive familial intrahepatic cholestasis type 3. Last evaluated: 2024-09-23. Review status: criteria provided, single submitter. Criteria: ACMG Guidelines, 2015. Collection method: clinical testing. Allele origin: germline. Inheritance: Autosomal recessive inheritance. Affected: yes.
Comment: Based on the classification scheme VCGS_Germline_v1.3.4, this variant is classified as Pathogenic. Following criteria are met: 0102 - Loss of function is a known mechanism of disease in this gene and is associated with intrahepatic cholestasis of pregnancy 3 (ICP-3; MIM#614972), gallbladder disease 1 (low phospholipid-associated cholelithiasis LPAC; MIM# 600803) and progressive familial intrahepatic cholestasis 3 (PFIC; MIM#602347). (I) 0108 - This gene is associated with both recessive and dominant disease. PFIC is inherited in a recessive manner, whereas ICP-3 and LPAC can be either dominant or recessive. Biallelic variants typically demonstrate less residual protein activity, resulting in an earlier onset of the condition with a more severe phenotype (OMIM, PMID: 24806754, PMID: 32376413). (I) 0201 - Variant is predicted to cause nonsense-mediated decay (NMD) and loss of protein (premature termination codon is located at least 54 nucleotides upstream of the final exon-exon junction). (SP) 0251 - This variant is heterozygous. (I) 0302 - Variant is present in gnomAD (v2 & v3) <0.001 for a dominant condition (2 heterozygotes, 0 homozygotes). (SP) 0701 - Other NMD-predicted variants comparable to the one identified in this case have very strong previous evidence for pathogenicity (DECIPHER). (SP) 0803 - This variant has limited previous evidence of pathogenicity in unrelated individuals. This variant has been reported in an individual with ICP-3 and also in an individual with LPAC (PMID: 37208429, PMID: 28733223). (SP) 0905 - No published segregation evidence has been identified for this variant. (I) 1007 - No published functional evidence has been identified for this variant. (I) 1102 - Strong phenotype match for this individual. (SP) 1208 - Inheritance information for this variant is not currently available in this individual. (I) Legend: (SP) - Supporting pathogenic, (I) - Information, (SB) - Supporting benign

Fulgent Genetics
Classification: Likely pathogenic for Low phospholipid associated cholelithiasis; Progressive familial intrahepatic cholestasis type 3; Cholestasis, intrahepatic, of pregnancy, 3. Last evaluated: 2024-04-29. Review status: criteria provided, single submitter. Criteria: ACMG Guidelines, 2015. Collection method: clinical testing. Allele origin: germline.

Neuberg Centre For Genomic Medicine, NCGM
Classification: Likely pathogenic for Low phospholipid associated cholelithiasis. Last evaluated: 2023-06-22. Review status: criteria provided, single submitter. Criteria: ACMG Guidelines, 2015. Collection method: clinical testing. Allele origin: germline. Inheritance: Autosomal recessive inheritance. Affected: yes.
Comment: The observed frameshift variantc.88_91del(p.Lys30GlyfsTer7) in the ABCB4 gene has not been reported previously as a pathogenic variant nor as a benign variant, to our knowledge. This variant is reported with the allele frequency 0.0004% in the gnomAD Exomes. This variant causes a frameshift starting with codon Lysine 30, changes this amino acid to Glycine residue, and creates a premature Stop codon at position 7 of the new reading frame, denoted p.Lys30GlyfsTer7. This variant is predicted to cause loss of normal protein function through protein truncation. Loss of function variants have been previously reported to be disease causing (Shen YL, et al., 2023). For these reasons, this variant has been classified as Likely Pathogenic.

Rolfs Rare Disease Consulting, Rolfs Consulting Und Verwaltungs GmbH
Classification: Pathogenic for Progressive familial intrahepatic cholestasis type 3. Last evaluated: 2020-01-01. Review status: criteria provided, single submitter. Criteria: ACMG Guidelines, 2015. Collection method: clinical testing. Allele origin: germline. Affected: yes.

Juno Genomics, Hangzhou Juno Genomics, Inc
Classification: Likely pathogenic for Cholestasis, intrahepatic, of pregnancy, 3; Progressive familial intrahepatic cholestasis type 3; Low phospholipid associated cholelithiasis. Review status: criteria provided, single submitter. Criteria: ACMG Guidelines, 2015. Collection method: clinical testing. Allele origin: germline. Affected: yes.
Comment: Absent from controls (or at extremely low frequency if recessive) in Genome Aggregation Database, Exome Sequencing Project, 1000 Genomes Project, or Exome Aggregation Consortium.;Null variant in a gene where loss of function (LOF) is a known mechanism of disease.

Literature cited by the submitters: PubMed 28733223 (cited by Genomenon, Inc and Victorian Clinical Genetics Services, Murdoch Childrens Research Institute); PubMed 24806754 (cited by Victorian Clinical Genetics Services, Murdoch Childrens Research Institute); PubMed 32376413 (cited by Victorian Clinical Genetics Services, Murdoch Childrens Research Institute); PubMed 37208429 (cited by Victorian Clinical Genetics Services, Murdoch Childrens Research Institute).